The following is an entry in ClinVar:

ClinVar aggregate classification (germline): Uncertain significance (1 of 4 stars; one submission).

Conditions:
Neurofibromatosis, type 1 (NF1). Also called: Neurofibromatosis, type I; VON RECKLINGHAUSEN DISEASE; NEUROFIBROMATOSIS, TYPE I, SOMATIC; Peripheral type neurofibromatosis. Identifiers: Orphanet 636, MedGen C0027831, MONDO:0018975, OMIM 162200. Disease mechanism: loss of function.

Submission:

Labcorp Genetics (formerly Invitae), Labcorp
Classification: Uncertain significance for Neurofibromatosis, type 1. Last evaluated: 2023-03-20. Review status: criteria provided, single submitter. Criteria: Invitae Variant Classification Sherloc (09022015). Collection method: clinical testing. Allele origin: germline.
Comment: In summary, the available evidence is currently insufficient to determine the role of this variant in disease. Therefore, it has been classified as a Variant of Uncertain Significance. This variant disrupts the c.3113G nucleotide in the NF1 gene. Other variant(s) that disrupt this nucleotide have been determined to be pathogenic (PMID: 18546366). This suggests that this nucleotide is clinically significant, and that variants that disrupt this position are likely to be disease-causing. Variants that disrupt the consensus splice site are a relatively common cause of aberrant splicing (PMID: 17576681, 9536098). An algorithm developed to predict the effect of missense changes on protein structure and function (PolyPhen-2) suggests that this variant is likely to be disruptive. This missense change has been observed in individual(s) with NF1-related conditions (PMID: 22155606). This variant is not present in population databases (gnomAD no frequency). This sequence change replaces arginine, which is basic and polar, with lysine, which is basic and polar, at codon 1038 of the NF1 protein (p.Arg1038Lys). This variant also falls at the last nucleotide of exon 23, which is part of the consensus splice site for this exon.

Literature cited by the submitters: PubMed 18546366; PubMed 17576681; PubMed 9536098; PubMed 22155606.

NM_001042492.3(NF1):c.3113G>A (p.Arg1038Lys)

Gene: NF1 (neurofibromin 1; plus strand). Cytogenetic location: 17q11.2.
Variant type: single nucleotide variant.
Coding change: c.3113G>A on transcript NM_001042492.3 (MANE Select); coding-DNA position 3113, G replaced by A.
Protein change: p.Arg1038Lys; replaces arginine 1038 with lysine.
Molecular consequence: missense variant.
Genome position (GRCh38, 1-based): chr17:31,230,382, G>A. VCF-style: chr17-31230382-G-A. GRCh37 (hg19) VCF-style: chr17-29557400-G-A.
Other names: c.3113G>A, p.Arg1038Lys (NM_000267.4); short protein forms R1038K.
Identifiers: ClinVar variation 2845556 (VCV002845556.3), dbSNP rs1060500313, ClinGen allele CA398987756.